The following is an entry in ClinVar:

NM_207037.2(TCF12):c.1301C>T (p.Ala434Val)

Gene: TCF12 (transcription factor 12; plus strand). Cytogenetic location: 15q21.3.
Variant type: single nucleotide variant.
Coding change: c.1301C>T on transcript NM_207037.2 (MANE Select); coding-DNA position 1301, C replaced by T.
Protein change: p.Ala434Val; replaces alanine 434 with valine.
Molecular consequence: missense variant.
Genome position (GRCh38, 1-based): chr15:57,253,302, C>T. VCF-style: chr15-57253302-C-T. GRCh37 (hg19) VCF-style: chr15-57545500-C-T.
Other names: c.791C>T, p.Ala264Val (NM_001306219.3); c.521C>T, p.Ala174Val (NM_001306220.3); c.1301C>T, p.Ala434Val (NM_001322151.2, NM_001322152.2, NM_001322159.3 and 2 more transcripts); c.644C>T, p.Ala215Val (NM_001322154.2); c.1127C>T, p.Ala376Val (NM_001322156.2); c.1229C>T, p.Ala410Val (NM_001322157.3, NM_001322165.2, NM_003205.4 and 1 more transcripts); c.1055C>T, p.Ala352Val (NM_001322158.2); c.1298C>T, p.Ala433Val (NM_001322161.2); and 2 more; short protein forms A174V, A215V, A240V, A264V, A352V, A376V, A410V, A422V.
Identifiers: ClinVar variation 4798968 (VCV004798968.1).

ClinVar aggregate classification (germline): Uncertain significance (1 of 4 stars; one submission).

gnomAD v4.1: 190 of 1,613,892 alleles (0.012%); highest among the groups gnomAD compares: Non-Finnish European, 0.016%; no homozygotes.

Submission:

Labcorp Genetics (formerly Invitae), Labcorp
Classification: Uncertain significance. Last evaluated: 2025-07-07. Review status: criteria provided, single submitter. Criteria: Invitae Variant Classification Sherloc (09022015). Collection method: clinical testing. Allele origin: germline.
Comment: This sequence change replaces alanine, which is neutral and non-polar, with valine, which is neutral and non-polar, at codon 434 of the TCF12 protein (p.Ala434Val). This variant is present in population databases (rs369150448, gnomAD 0.006%). This variant has not been reported in the literature in individuals affected with TCF12-related conditions. Invitae Evidence Modeling of protein sequence and biophysical properties (such as structural, functional, and spatial information, amino acid conservation, physicochemical variation, residue mobility, and thermodynamic stability) has been performed for this missense variant. However, the output from this modeling did not meet the statistical confidence thresholds required to predict the impact of this variant on TCF12 protein function. In summary, the available evidence is currently insufficient to determine the role of this variant in disease. Therefore, it has been classified as a Variant of Uncertain Significance.